The following is an entry in ClinVar:

NM_182961.4(SYNE1):c.14791C>G (p.Gln4931Glu)

Gene: SYNE1 (spectrin repeat containing nuclear envelope protein 1; minus strand). Cytogenetic location: 6q25.2.
Variant type: single nucleotide variant.
Coding change: c.14791C>G on transcript NM_182961.4 (MANE Select); coding-DNA position 14791, C replaced by G.
Protein change: p.Gln4931Glu; replaces glutamine 4931 with glutamic acid.
Molecular consequence: missense variant.
Genome position (GRCh38, 1-based): chr6:152,329,894, G>C on the plus strand (C>G on the coding strand, the complement: SYNE1 is on the minus strand). VCF-style: chr6-152329894-G-C. GRCh37 (hg19) VCF-style: chr6-152651029-G-C.
Other names: p.Gln4860Glu; c.14578C>G, p.Gln4860Glu (NM_033071.5); c.14578C>G (NM_033071.3); short protein forms Q4860E, Q4931E.
Identifiers: ClinVar variation 593720 (VCV000593720.7), dbSNP rs370588857, ClinGen allele CA4055947.

ClinVar aggregate classification (germline): Uncertain significance. Review status: criteria provided, multiple submitters, no conflicts (2 of 4 stars). 3 submissions from 3 submitters: Uncertain significance (3). Last evaluated 2025-02-28.

Conditions:
SYNE1-related disorder. Also called: SYNE1-related disease; SYNE1-related condition; SYNE1-related disorders.

Allele frequency attached by ClinVar (database versions not stated): ExAC 0.00002; gnomAD exomes 0.00002 and 0.00003; gnomAD 0.00003 and 0.00004; TOPMed 0.00003; ESP Exome Variant Server 0.00008.
gnomAD v4.1: 55 of 1,614,024 alleles (0.0034%); highest among the groups gnomAD compares: Non-Finnish European, 0.0041%; no homozygotes.

Submissions (3):

PreventionGenetics, part of Exact Sciences
Classification: Uncertain significance for SYNE1-related condition. Last evaluated: 2025-02-28. Review status: criteria provided, single submitter. Criteria: ACMG Guidelines, 2015. Collection method: clinical testing. Allele origin: germline.
Comment: The SYNE1 c.14578C>G variant is predicted to result in the amino acid substitution p.Gln4860Glu. To our knowledge, this variant has not been reported in the literature. This variant is reported in 0.0062% of alleles in individuals of African descent in gnomAD. At this time, the clinical significance of this variant is uncertain due to the absence of conclusive functional and genetic evidence.

Mayo Clinic Laboratories, Mayo Clinic
Classification: Uncertain significance. Last evaluated: 2023-09-27. Review status: criteria provided, single submitter. Criteria: ACMG Guidelines, 2015. Collection method: clinical testing. Allele origin: germline. Observed: 1 variant allele.
Comment: BP4

Eurofins Ntd Llc (ga)
Classification: Uncertain significance. Last evaluated: 2017-08-22. Review status: criteria provided, single submitter. Criteria: EGL Classification Definitions 2015. Collection method: clinical testing. Allele origin: germline. Observed: 1 variant allele, 1 heterozygote.